The following is an entry in ClinVar:

NM_021803.4(IL21):c.127A>T (p.Ile43Leu)

Genes: IL21 (interleukin 21; minus strand), IL21-AS1 (IL21 antisense RNA 1; plus strand), LOC126807147 (CDK7 strongly-dependent group 2 enhancer GRCh37_chr4:123541308-123542507; plus strand). Cytogenetic location: 4q27.
Variant type: single nucleotide variant.
Coding change: c.127A>T on transcript NM_021803.4 (MANE Select); coding-DNA position 127, A replaced by T.
Protein change: p.Ile43Leu; replaces isoleucine 43 with leucine.
Molecular consequence: missense variant. On other transcripts: non-coding transcript variant (1).
Genome position (GRCh38, 1-based): chr4:122,620,885, T>A on the plus strand (A>T on the coding strand, the complement: IL21 is on the minus strand). VCF-style: chr4-122620885-T-A. GRCh37 (hg19) VCF-style: chr4-123542040-T-A.
Other names: c.127A>T, p.Ile43Leu (NM_001207006.3); short protein forms I43L.
Identifiers: ClinVar variation 402976 (VCV000402976.15), dbSNP rs374097344, ClinGen allele CA3069190.

ClinVar aggregate classification (germline): Conflicting classifications of pathogenicity. Review status: criteria provided, conflicting classifications (1 of 4 stars). 3 submissions from 3 submitters: Uncertain significance (2); Likely benign (1). Last evaluated 2026-01-21.

Allele frequency attached by ClinVar (database versions not stated): ESP Exome Variant Server 0.00008; gnomAD 0.00009 and 0.00010; gnomAD exomes 0.00010 and 0.00019; ExAC 0.00015; TOPMed 0.00015.
gnomAD v4.1: 160 of 1,613,978 alleles (0.0099%); highest among the groups gnomAD compares: Middle Eastern, 0.016%; no homozygotes.

Submissions (3):

Labcorp Genetics (formerly Invitae), Labcorp
Classification: Likely benign. Last evaluated: 2026-01-21. Review status: criteria provided, single submitter. Criteria: Invitae Variant Classification Sherloc (09022015). Collection method: clinical testing. Allele origin: germline.

Blueprint Genetics
Classification: Uncertain significance. Last evaluated: 2023-10-19. Review status: criteria provided, single submitter. Criteria: ACMG Guidelines, 2015. Collection method: clinical testing. Allele origin: germline.

Laboratory for Molecular Medicine, Mass General Brigham Personalized Medicine
Classification: Uncertain significance. Last evaluated: 2016-03-29. Review status: criteria provided, single submitter. Criteria: LMM Criteria. Collection method: clinical testing. Allele origin: germline.
Comment: Variant identified in a genome or exome case(s) and assessed due to predicted null impact of the variant or pathogenic assertions in the literature or databases. Disclaimer: This variant has not undergone full assessment. The following are preliminary notes: Not previously reported. No data available.